The following is an entry in ClinVar:

ClinVar aggregate classification (germline): Conflicting classifications of pathogenicity. Review status: criteria provided, conflicting classifications (1 of 4 stars). 2 submissions from 2 submitters: Likely pathogenic (1); Uncertain significance (1). Last evaluated 2022-11-02.

Conditions:
Hyperinsulinism-hyperammonemia syndrome (HHF6). Identifiers: Orphanet 35878, MedGen C1847555, MONDO:0011717, OMIM 606762.

Submissions (2):

Labcorp Genetics (formerly Invitae), Labcorp
Classification: Uncertain significance for Hyperinsulinism-hyperammonemia syndrome. Last evaluated: 2022-11-02. Review status: criteria provided, single submitter. Criteria: Invitae Variant Classification Sherloc (09022015). Collection method: clinical testing. Allele origin: germline.
Comment: This missense change has been observed in individual(s) with hyperinsulinism-hyperammonemia syndrome (Invitae). In summary, the available evidence is currently insufficient to determine the role of this variant in disease. Therefore, it has been classified as a Variant of Uncertain Significance. This variant disrupts the p.Arg318 amino acid residue in GLUD1. Other variant(s) that disrupt this residue have been observed in individuals with GLUD1-related conditions (PMID: 10636977), which suggests that this may be a clinically significant amino acid residue. Advanced modeling of protein sequence and biophysical properties (such as structural, functional, and spatial information, amino acid conservation, physicochemical variation, residue mobility, and thermodynamic stability) performed at Invitae indicates that this missense variant is not expected to disrupt GLUD1 protein function. ClinVar contains an entry for this variant (Variation ID: 1338629). This variant is not present in population databases (gnomAD no frequency). This sequence change replaces arginine, which is basic and polar, with threonine, which is neutral and polar, at codon 318 of the GLUD1 protein (p.Arg318Thr).

Genetic Services Laboratory, University of Chicago
Classification: Likely pathogenic. Last evaluated: 2021-03-03. Review status: criteria provided, single submitter. Criteria: ACMG Guidelines, 2015. Collection method: clinical testing. Allele origin: germline. Affected: yes.

Literature cited by the submitters: PubMed 10636977 (cited by Labcorp Genetics (formerly Invitae), Labcorp).

NM_005271.5(GLUD1):c.953G>C (p.Arg318Thr)

Gene: GLUD1 (glutamate dehydrogenase 1; minus strand). Cytogenetic location: 10q23.2.
Variant type: single nucleotide variant.
Coding change: c.953G>C on transcript NM_005271.5 (MANE Select); coding-DNA position 953, G replaced by C.
Protein change: p.Arg318Thr; replaces arginine 318 with threonine.
Molecular consequence: missense variant.
Genome position (GRCh38, 1-based): chr10:87,061,021, C>G on the plus strand (G>C on the coding strand, the complement: GLUD1 is on the minus strand). VCF-style: chr10-87061021-C-G. GRCh37 (hg19) VCF-style: chr10-88820778-C-G.
Other names: c.554G>C, p.Arg185Thr (NM_001318900.1); c.452G>C, p.Arg151Thr (NM_001318901.1, NM_001318902.1, NM_001318904.2 and 2 more transcripts); short protein forms R151T, R185T, R318T.
Identifiers: ClinVar variation 1338629 (VCV001338629.7), dbSNP rs121909736, ClinGen allele CA377467778.